The following is an entry in ClinVar:

NM_020297.4(ABCC9):c.2000C>T (p.Thr667Ile)

Gene: ABCC9 (ATP binding cassette subfamily C member 9; minus strand). Cytogenetic location: 12p12.1.
Variant type: single nucleotide variant.
Coding change: c.2000C>T on transcript NM_020297.4 (MANE Select); coding-DNA position 2000, C replaced by T.
Protein change: p.Thr667Ile; replaces threonine 667 with isoleucine.
Molecular consequence: missense variant.
Genome position (GRCh38, 1-based): chr12:21,882,785, G>A on the plus strand (C>T on the coding strand, the complement: ABCC9 is on the minus strand). VCF-style: chr12-21882785-G-A. GRCh37 (hg19) VCF-style: chr12-22035719-G-A.
Other names: c.2000C>T, p.Thr667Ile (NM_001377273.1, NM_005691.4); c.1136C>T, p.Thr379Ile (NM_001377274.1); short protein forms T667I, T379I.
Identifiers: ClinVar variation 1462649 (VCV001462649.8), dbSNP rs397517186, ClinGen allele CA6481533.

ClinVar aggregate classification (germline): Uncertain significance (1 of 4 stars; one submission).

Conditions:
Dilated cardiomyopathy 1O (CMD1O). Also called: CARDIOMYOPATHY, DILATED, WITH VENTRICULAR TACHYCARDIA. Identifiers: Orphanet 154, MedGen C1837839, MONDO:0012062, OMIM 608569.

Allele frequency attached by ClinVar (database versions not stated): gnomAD exomes 0.00001; ExAC 0.00002.
gnomAD v4.1: 8 of 1,612,816 alleles (0.0005%); highest among the groups gnomAD compares: Non-Finnish European, 0.00068%; no homozygotes.

Submission:

Labcorp Genetics (formerly Invitae), Labcorp
Classification: Uncertain significance for Dilated cardiomyopathy 1O. Last evaluated: 2022-07-21. Review status: criteria provided, single submitter. Criteria: Invitae Variant Classification Sherloc (09022015). Collection method: clinical testing. Allele origin: germline.
Comment: This variant is present in population databases (rs397517186, gnomAD 0.003%). This sequence change replaces threonine, which is neutral and polar, with isoleucine, which is neutral and non-polar, at codon 667 of the ABCC9 protein (p.Thr667Ile). This variant has not been reported in the literature in individuals affected with ABCC9-related conditions. ClinVar contains an entry for this variant (Variation ID: 1462649). Algorithms developed to predict the effect of missense changes on protein structure and function (SIFT, PolyPhen-2, Align-GVGD) all suggest that this variant is likely to be tolerated. In summary, the available evidence is currently insufficient to determine the role of this variant in disease. Therefore, it has been classified as a Variant of Uncertain Significance.